The following is an entry in ClinVar:

ClinVar aggregate classification (germline): Uncertain significance (1 of 4 stars; one submission).

Submission:

Labcorp Genetics (formerly Invitae), Labcorp
Classification: Uncertain significance. Last evaluated: 2022-09-27. Review status: criteria provided, single submitter. Criteria: Invitae Variant Classification Sherloc (09022015). Collection method: clinical testing. Allele origin: germline.
Comment: In summary, the available evidence is currently insufficient to determine the role of this variant in disease. Therefore, it has been classified as a Variant of Uncertain Significance. Algorithms developed to predict the effect of sequence changes on RNA splicing suggest that this variant may create or strengthen a splice site. Advanced modeling of protein sequence and biophysical properties (such as structural, functional, and spatial information, amino acid conservation, physicochemical variation, residue mobility, and thermodynamic stability) performed at Invitae indicates that this missense variant is not expected to disrupt WNT3 protein function. ClinVar contains an entry for this variant (Variation ID: 1351181). This variant has not been reported in the literature in individuals affected with WNT3-related conditions. This variant is not present in population databases (gnomAD no frequency). This sequence change replaces arginine, which is basic and polar, with serine, which is neutral and polar, at codon 170 of the WNT3 protein (p.Arg170Ser).

NM_030753.5(WNT3):c.510G>T (p.Arg170Ser)

Genes: WNT3 (Wnt family member 3; minus strand), LRRC37A2 (leucine rich repeat containing 37 member A2). Cytogenetic location: 17q21.31.
Variant type: single nucleotide variant.
Coding change: c.510G>T on transcript NM_030753.5 (MANE Select); coding-DNA position 510, G replaced by T.
Protein change: p.Arg170Ser; replaces arginine 170 with serine.
Molecular consequence: missense variant.
Genome position (GRCh38, 1-based): chr17:46,769,861, C>A on the plus strand (G>T on the coding strand, the complement: WNT3 is on the minus strand). VCF-style: chr17-46769861-C-A. GRCh37 (hg19) VCF-style: chr17-44847227-C-A.
Other names: short protein forms R170S.
Identifiers: ClinVar variation 1351181 (VCV001351181.6), dbSNP rs2146374814, ClinGen allele CA400010719.